The following is an entry in ClinVar:

ClinVar aggregate classification (germline): Pathogenic (1 of 4 stars; one submission).

Submission:

Ambry Genetics
Classification: Pathogenic. Last evaluated: 2025-09-26. Review status: criteria provided, single submitter. Criteria: Ambry Variant Classification Scheme 2023. Collection method: clinical testing. Allele origin: germline.
Comment: The c.385_386delAA (p.K129Efs*66) alteration, located in exon 1 (coding exon 1) of the H1-4 gene, consists of a deletion of 2 nucleotides from position 385 to 386, causing a translational frameshift with a predicted alternate stop codon after 66 amino acids. This alteration occurs at the 3' terminus of the H1-4 gene and is not expected to trigger nonsense-mediated mRNA decay. This variant was not reported in population-based cohorts in the Genome Aggregation Database (gnomAD). This variant is located in a region of the protein where truncating variants that escape nonsense mediated mRNA decay have been reported as disease-causing for H1-4-related neurodevelopmental disorder (Burkardt, 2019). Based on the available evidence, this alteration is classified as pathogenic.

Literature cited by the submitters: PubMed 31400068.

NM_005321.3(H1-4):c.385_386del (p.Lys129fs)

Gene: H1-4 (H1.4 linker histone, cluster member; plus strand). Cytogenetic location: 6p22.2.
Variant type: Deletion.
Coding change: c.385_386del on transcript NM_005321.3 (MANE Select); coding-DNA positions 385 to 386, 2 bases deleted (AA; older notation c.385_386delAA).
Protein change: p.Lys129fs; shifts the reading frame from lysine 129.
Molecular consequence: frameshift variant.
Genome position (GRCh38, 1-based): chr6:26,156,775-26,156,776, AA deleted. VCF-style (leftmost placement, unchanged base first): chr6-26156774-CAA-C. GRCh37 (hg19) VCF-style: chr6-26157002-CAA-C.
Other names: short protein forms K129fs.
Identifiers: ClinVar variation 4674616 (VCV004674616.1).